The following is an entry in ClinVar:

ClinVar aggregate classification (germline): Pathogenic (1 of 4 stars; one submission).

Conditions:
Glycogen storage disease, type IV (GSD4). Also called: AMYLOPECTINOSIS; ANDERSEN DISEASE; Glycogen storage disease due to glycogen branching enzyme deficiency; BRANCHER DEFICIENCY; CIRRHOSIS, FAMILIAL, WITH DEPOSITION OF ABNORMAL GLYCOGEN; GBE1 DEFICIENCY. Identifiers: Orphanet 367, MedGen C0017923, MONDO:0009292, OMIM 232500.
Glycogen storage disease IV, classic hepatic. Also called: GSD IV, CLASSIC HEPATIC. Identifiers: MedGen C1856301.

Submission:

Labcorp Genetics (formerly Invitae), Labcorp
Classification: Pathogenic for Glycogen storage disease, type IV; Glycogen storage disease IV, classic hepatic. Last evaluated: 2022-09-28. Review status: criteria provided, single submitter. Criteria: Invitae Variant Classification Sherloc (09022015). Collection method: clinical testing. Allele origin: germline.
Comment: This sequence change creates a premature translational stop signal (p.Glu12*) in the GBE1 gene. It is expected to result in an absent or disrupted protein product. Loss-of-function variants in GBE1 are known to be pathogenic (PMID: 15452297, 20058079). This variant is not present in population databases (gnomAD no frequency). This variant has not been reported in the literature in individuals affected with GBE1-related conditions. For these reasons, this variant has been classified as Pathogenic.

Literature cited by the submitters: PubMed 15452297; PubMed 20058079.

NM_000158.4(GBE1):c.34G>T (p.Glu12Ter)

Gene: GBE1 (1,4-alpha-glucan branching enzyme 1; minus strand). Cytogenetic location: 3p12.2.
Variant type: single nucleotide variant.
Coding change: c.34G>T on transcript NM_000158.4 (MANE Select); coding-DNA position 34, G replaced by T.
Protein change: p.Glu12Ter; replaces glutamic acid 12 with a stop codon.
Molecular consequence: nonsense.
Genome position (GRCh38, 1-based): chr3:81,761,484, C>A on the plus strand (G>T on the coding strand, the complement: GBE1 is on the minus strand). VCF-style: chr3-81761484-C-A. GRCh37 (hg19) VCF-style: chr3-81810635-C-A.
Other names: short protein forms E12*.
Identifiers: ClinVar variation 2033141 (VCV002033141.4), dbSNP rs772401056, ClinGen allele CA353687058.